The following is an entry in ClinVar:

ClinVar aggregate classification (germline): Uncertain significance (1 of 4 stars; one submission).

Conditions:
Multiple endocrine neoplasia, type 1 (MEN1). Also called: Endocrine adenomatosis multiple; MEN 1; MEN I; WERMER SYNDROME; MEA I. Identifiers: Orphanet 652, MedGen C0025267, MeSH D018761, MONDO:0007540, OMIM 131100.

Submission:

Labcorp Genetics (formerly Invitae), Labcorp
Classification: Uncertain significance for Multiple endocrine neoplasia, type 1. Last evaluated: 2018-12-18. Review status: criteria provided, single submitter. Criteria: Invitae Variant Classification Sherloc (09022015). Collection method: clinical testing. Allele origin: germline.
Comment: In summary, the available evidence is currently insufficient to determine the role of this variant in disease. Therefore, it has been classified as a Variant of Uncertain Significance. Algorithms developed to predict the effect of missense changes on protein structure and function are either unavailable or do not agree on the potential impact of this missense change (SIFT: "Deleterious"; PolyPhen-2: "Probably Damaging"; Align-GVGD: "Class C0"). This variant has not been reported in the literature in individuals with MEN1-related conditions. This variant is not present in population databases (ExAC no frequency). This sequence change replaces tyrosine with serine at codon 353 of the MEN1 protein (p.Tyr353Ser). The tyrosine residue is highly conserved and there is a large physicochemical difference between tyrosine and serine.

NM_001370259.2(MEN1):c.1058A>C (p.Tyr353Ser)

Gene: MEN1 (menin 1; minus strand). Cytogenetic location: 11q13.1.
Variant type: single nucleotide variant.
Coding change: c.1058A>C on transcript NM_001370259.2 (MANE Select); coding-DNA position 1058, A replaced by C.
Protein change: p.Tyr353Ser; replaces tyrosine 353 with serine.
Molecular consequence: missense variant.
Genome position (GRCh38, 1-based): chr11:64,805,762, T>G on the plus strand (A>C on the coding strand, the complement: MEN1 is on the minus strand). VCF-style: chr11-64805762-T-G. GRCh37 (hg19) VCF-style: chr11-64573234-T-G.
Other names: c.1073A>C, p.Tyr358Ser (NM_000244.4, NM_130800.3, NM_130801.3 and 3 more transcripts); c.1184A>C, p.Tyr395Ser (NM_001370251.2); c.1058A>C, p.Tyr353Ser (NM_001370260.2, NM_001370261.2, NM_130799.3); c.953A>C, p.Tyr318Ser (NM_001370262.2, NM_001370263.2); short protein forms Y358S, Y318S, Y395S, Y353S.
Identifiers: ClinVar variation 659755 (VCV000659755.8), dbSNP rs1592640870, ClinGen allele CA381182960.
Genomic context (GRCh38, chr11:64,805,762, plus strand): 5'-GGGATGACATCATTGGCTACTTCAAAGAACTCCTTGTAGATCTCCTCGTCTTCCCGGCAG[T>G]AGTTGTAGCTGTGAGAGCAGTGGGGTCTCTGTAGGGTCTGAAGGGGTCTCACCATCGGGG-3'
Protein context (NP_001357188.2, residues 343-363): DTATVIQDYN[Tyr353Ser]CREDEEIYKE